The following is an entry in ClinVar:

ClinVar aggregate classification (germline): Uncertain significance. Review status: criteria provided, multiple submitters, no conflicts (2 of 4 stars). 2 submissions from 2 submitters: Uncertain significance (2). Last evaluated 2022-05-27.

Allele frequency attached by ClinVar (database versions not stated): gnomAD 0.00001; gnomAD exomes 0.00003.

Submissions (2):

GeneDx
Classification: Uncertain significance. Last evaluated: 2022-05-27. Review status: criteria provided, single submitter. Criteria: GeneDx Variant Classification Process June 2021. Collection method: clinical testing. Allele origin: germline. Affected: yes.
Comment: Not observed at significant frequency in large population cohorts (gnomAD); In silico analysis supports that this missense variant has a deleterious effect on protein structure/function; Has not been previously published as pathogenic or benign to our knowledge

Laboratory for Molecular Medicine, Mass General Brigham Personalized Medicine
Classification: Uncertain significance. Last evaluated: 2016-07-21. Review status: criteria provided, single submitter. Criteria: LMM Criteria. Collection method: clinical testing. Allele origin: germline. Observed: 1 variant allele.
Comment: The p.Pro290Ser variant in PAX3 has not been previously reported in individuals with hearing loss or Waardenburg syndrome or in large population studies. Comput ational prediction tools and conservation analysis do not provide strong support for or against an impact to the protein. In summary, the clinical significance of the p.Pro290Ser variant is uncertain.

NM_181458.4(PAX3):c.871C>T (p.Pro291Ser)

Gene: PAX3 (paired box 3; minus strand). Cytogenetic location: 2q36.1.
Variant type: single nucleotide variant.
Coding change: c.871C>T on transcript NM_181458.4 (MANE Select); coding-DNA position 871, C replaced by T.
Protein change: p.Pro291Ser; replaces proline 291 with serine.
Molecular consequence: missense variant.
Genome position (GRCh38, 1-based): chr2:222,221,309, G>A on the plus strand (C>T on the coding strand, the complement: PAX3 is on the minus strand). VCF-style: chr2-222221309-G-A. GRCh37 (hg19) VCF-style: chr2-223086028-G-A.
Other names: c.868C>T, p.Pro290Ser (NM_001127366.3); c.871C>T, p.Pro291Ser (NM_181457.4, NM_181459.4, NM_181460.4 and 1 more transcripts); short protein forms P290S, P291S.
Identifiers: ClinVar variation 505249 (VCV000505249.6), dbSNP rs199651907, ClinGen allele CA66332140.